The following is an entry in ClinVar:

ClinVar aggregate classification (germline): Likely benign. Review status: criteria provided, multiple submitters, no conflicts (2 of 4 stars). 2 submissions from 2 submitters: Likely benign (2). Last evaluated 2024-05-07.

Allele frequency attached by ClinVar (database versions not stated): gnomAD 0.00001; TOPMed 0.00001; ExAC 0.00009.
gnomAD v4.1: 32 of 1,556,300 alleles (0.0021%); highest among the groups gnomAD compares: Middle Eastern, 0.033%; no homozygotes.

Submissions (2):

Blueprint Genetics
Classification: Likely benign. Last evaluated: 2024-05-07. Review status: criteria provided, single submitter. Criteria: ACMG Guidelines, 2015. Collection method: clinical testing. Allele origin: germline.

CeGaT Center for Human Genetics Tuebingen
Classification: Likely benign. Last evaluated: 2024-03-01. Review status: criteria provided, single submitter. Criteria: CeGaT Center For Human Genetics Tuebingen Variant Classification Criteria Version 2. Collection method: clinical testing. Allele origin: germline. Affected: yes. Observed: 2 variant alleles.
Comment: ABCB6: BP4, BP7

NM_005689.4(ABCB6):c.867T>C (p.Ile289=)

Gene: ABCB6 (ATP binding cassette subfamily B member 6 (LAN blood group); minus strand). Cytogenetic location: 2q35.
Variant type: single nucleotide variant.
Coding change: c.867T>C on transcript NM_005689.4 (MANE Select); coding-DNA position 867, T replaced by C.
Protein change: p.Ile289=; no amino-acid change (isoleucine 289 retained).
Molecular consequence: synonymous variant.
Genome position (GRCh38, 1-based): chr2:219,216,653, A>G on the plus strand (T>C on the coding strand, the complement: ABCB6 is on the minus strand). VCF-style: chr2-219216653-A-G. GRCh37 (hg19) VCF-style: chr2-220081375-A-G.
Other names: c.729T>C, p.Ile243= (NM_001349828.2).
Identifiers: ClinVar variation 3067307 (VCV003067307.22), dbSNP rs751784110, ClinGen allele CA2119629.